The following is an entry in ClinVar:

NM_006341.4(MAD2L2):c.41-7C>A

Genes: MAD2L2 (mitotic arrest deficient 2 like 2; minus strand), LOC129929411 (ATAC-STARR-seq lymphoblastoid silent region 270; plus strand). Cytogenetic location: 1p36.22.
Variant type: single nucleotide variant.
Coding change: c.41-7C>A on transcript NM_006341.4 (MANE Select); 7 bases into the intron before coding-DNA position 41, C replaced by A.
Molecular consequence: intron variant.
Genome position (GRCh38, 1-based): chr1:11,680,478, G>T on the plus strand (C>A on the coding strand, the complement: MAD2L2 is on the minus strand). VCF-style: chr1-11680478-G-T. GRCh37 (hg19) VCF-style: chr1-11740535-G-T.
Other names: c.41-7C>A (NM_001127325.2).
Identifiers: ClinVar variation 775512 (VCV000775512.13), dbSNP rs2233015, ClinGen allele CA593908.

ClinVar aggregate classification (germline): Benign. Review status: criteria provided, multiple submitters, no conflicts (2 of 4 stars). 3 submissions from 3 submitters: Benign (2). 1 of the submissions does not count toward it. Last evaluated 2026-02-01.

Conditions:
MAD2L2-related disorder. Also called: MAD2L2-related condition.

Allele frequency attached by ClinVar (database versions not stated): 1000 Genomes Project 0.01617; gnomAD 0.01090; ESP Exome Variant Server 0.01215; TOPMed 0.01398; 1000 Genomes Project 30x 0.01530.
gnomAD v4.1: 8,968 of 1,613,290 alleles (0.56%); highest among the groups gnomAD compares: African/African-American, 3.5%; 90 homozygotes.

Submissions (28):

Labcorp Genetics (formerly Invitae), Labcorp
Classification: Benign. Last evaluated: 2026-02-01. Review status: criteria provided, single submitter. Criteria: Invitae Variant Classification Sherloc (09022015). Collection method: clinical testing. Allele origin: germline.

Breakthrough Genomics
Classification: Benign. Review status: criteria provided, single submitter. Criteria: ACMG Guidelines, 2015. Collection method: not provided. Allele origin: germline. Inheritance: Autosomal recessive inheritance. Affected: yes.

PreventionGenetics, part of Exact Sciences
Classification: Benign for MAD2L2-related condition. Last evaluated: 2019-03-22. Review status: no assertion criteria provided. Collection method: clinical testing. Allele origin: germline. Not counted in ClinVar's aggregate classification.
Comment: This variant is classified as benign based on ACMG/AMP sequence variant interpretation guidelines (Richards et al. 2015 PMID: 25741868, with internal and published modifications).

Dr. Peter K. Rogan Lab, Western University
No classification provided (evidence only). Condition: Uterine corpus endometrial carcinoma. Review status: no classification provided. Collection method: in vitro. Allele origin: not applicable. Functional consequence: retained intron. Not counted in ClinVar's aggregate classification.

Dr. Peter K. Rogan Lab, Western University
No classification provided (evidence only). Condition: Uterine corpus endometrial carcinoma. Review status: no classification provided. Collection method: in vitro. Allele origin: not applicable. Functional consequence: retained intron. Not counted in ClinVar's aggregate classification.

Dr. Peter K. Rogan Lab, Western University
No classification provided (evidence only). Condition: Cervical cancer. Review status: no classification provided. Collection method: in vitro. Allele origin: not applicable. Functional consequence: skipped exon, retained intron. Not counted in ClinVar's aggregate classification.

Dr. Peter K. Rogan Lab, Western University
No classification provided (evidence only). Condition: Sarcoma. Review status: no classification provided. Collection method: in vitro. Allele origin: not applicable. Functional consequence: retained intron. Not counted in ClinVar's aggregate classification.

Dr. Peter K. Rogan Lab, Western University
No classification provided (evidence only). Condition: Uterine corpus endometrial carcinoma. Review status: no classification provided. Collection method: in vitro. Allele origin: not applicable. Functional consequence: retained intron. Not counted in ClinVar's aggregate classification.

Dr. Peter K. Rogan Lab, Western University
No classification provided (evidence only). Condition: Uterine corpus endometrial carcinoma. Review status: no classification provided. Collection method: in vitro. Allele origin: not applicable. Functional consequence: retained intron. Not counted in ClinVar's aggregate classification.

Dr. Peter K. Rogan Lab, Western University
No classification provided (evidence only). Condition: Uterine corpus endometrial carcinoma. Review status: no classification provided. Collection method: in vitro. Allele origin: not applicable. Functional consequence: retained intron. Not counted in ClinVar's aggregate classification.

Dr. Peter K. Rogan Lab, Western University
No classification provided (evidence only). Condition: Lung cancer. Review status: no classification provided. Collection method: in vitro. Allele origin: not applicable. Functional consequence: retained intron. Not counted in ClinVar's aggregate classification.

Dr. Peter K. Rogan Lab, Western University
No classification provided (evidence only). Condition: Cervical cancer. Review status: no classification provided. Collection method: in vitro. Allele origin: not applicable. Functional consequence: skipped exon, retained intron. Not counted in ClinVar's aggregate classification.

Dr. Peter K. Rogan Lab, Western University
No classification provided (evidence only). Condition: Cervical cancer. Review status: no classification provided. Collection method: in vitro. Allele origin: not applicable. Functional consequence: retained intron. Not counted in ClinVar's aggregate classification.

Dr. Peter K. Rogan Lab, Western University
No classification provided (evidence only). Condition: Ovarian serous cystadenocarcinoma. Review status: no classification provided. Collection method: in vitro. Allele origin: not applicable. Functional consequence: retained intron. Not counted in ClinVar's aggregate classification.

Dr. Peter K. Rogan Lab, Western University
No classification provided (evidence only). Condition: Ovarian serous cystadenocarcinoma. Review status: no classification provided. Collection method: in vitro. Allele origin: not applicable. Functional consequence: retained intron. Not counted in ClinVar's aggregate classification.

Dr. Peter K. Rogan Lab, Western University
No classification provided (evidence only). Condition: Ovarian cancer. Review status: no classification provided. Collection method: in vitro. Allele origin: not applicable. Functional consequence: retained intron. Not counted in ClinVar's aggregate classification.

Dr. Peter K. Rogan Lab, Western University
No classification provided (evidence only). Condition: Sarcoma. Review status: no classification provided. Collection method: in vitro. Allele origin: not applicable. Functional consequence: retained intron. Not counted in ClinVar's aggregate classification.

Dr. Peter K. Rogan Lab, Western University
No classification provided (evidence only). Condition: Sarcoma. Review status: no classification provided. Collection method: in vitro. Allele origin: not applicable. Functional consequence: skipped exon, retained intron. Not counted in ClinVar's aggregate classification.

Dr. Peter K. Rogan Lab, Western University
No classification provided (evidence only). Condition: Ovarian serous cystadenocarcinoma. Review status: no classification provided. Collection method: in vitro. Allele origin: not applicable. Functional consequence: retained intron. Not counted in ClinVar's aggregate classification.

Dr. Peter K. Rogan Lab, Western University
No classification provided (evidence only). Condition: Gastric cancer. Review status: no classification provided. Collection method: in vitro. Allele origin: not applicable. Functional consequence: retained intron. Not counted in ClinVar's aggregate classification.

Dr. Peter K. Rogan Lab, Western University
No classification provided (evidence only). Condition: Thymoma. Review status: no classification provided. Collection method: in vitro. Allele origin: not applicable. Functional consequence: retained intron. Not counted in ClinVar's aggregate classification.

Dr. Peter K. Rogan Lab, Western University
No classification provided (evidence only). Condition: Cholangiocarcinoma. Review status: no classification provided. Collection method: in vitro. Allele origin: not applicable. Functional consequence: retained intron. Not counted in ClinVar's aggregate classification.

Dr. Peter K. Rogan Lab, Western University
No classification provided (evidence only). Condition: Gastric cancer. Review status: no classification provided. Collection method: in vitro. Allele origin: not applicable. Functional consequence: retained intron. Not counted in ClinVar's aggregate classification.

Dr. Peter K. Rogan Lab, Western University
No classification provided (evidence only). Condition: Gastric cancer. Review status: no classification provided. Collection method: in vitro. Allele origin: not applicable. Functional consequence: retained intron. Not counted in ClinVar's aggregate classification.

Dr. Peter K. Rogan Lab, Western University
No classification provided (evidence only). Condition: Ovarian serous cystadenocarcinoma. Review status: no classification provided. Collection method: in vitro. Allele origin: not applicable. Functional consequence: retained intron. Not counted in ClinVar's aggregate classification.

Dr. Peter K. Rogan Lab, Western University
No classification provided (evidence only). Condition: Ovarian serous cystadenocarcinoma. Review status: no classification provided. Collection method: in vitro. Allele origin: not applicable. Functional consequence: retained intron. Not counted in ClinVar's aggregate classification.

Dr. Peter K. Rogan Lab, Western University
No classification provided (evidence only). Condition: Gastric cancer. Review status: no classification provided. Collection method: in vitro. Allele origin: not applicable. Functional consequence: retained intron. Not counted in ClinVar's aggregate classification.

Dr. Peter K. Rogan Lab, Western University
No classification provided (evidence only). Condition: Lymphoma. Review status: no classification provided. Collection method: in vitro. Allele origin: not applicable. Functional consequence: skipped exon, retained intron. Not counted in ClinVar's aggregate classification.